The following is an entry in ClinVar:

NM_032043.3(BRIP1):c.379+4_379+5del

Gene: BRIP1 (BRCA1 interacting DNA helicase 1; minus strand). Cytogenetic location: 17q23.2.
Variant type: Deletion.
Coding change: c.379+4_379+5del on transcript NM_032043.3 (MANE Select); bases 4 to 5 of the intron after coding-DNA position 379, 2 bases deleted (AT; older notation c.379+4_379+5delAT).
Molecular consequence: intron variant.
Genome position (GRCh38, 1-based): chr17:61,857,053-61,857,054, AT deleted on the plus strand (AT on the coding strand, the reverse complement: BRIP1 is on the minus strand). VCF-style (leftmost placement, unchanged base first): chr17-61857052-AAT-A. GRCh37 (hg19) VCF-style: chr17-59934413-AAT-A.
Other names: c.379+4_379+5delAT (NM_032043.2).
Identifiers: ClinVar variation 186147 (VCV000186147.26), dbSNP rs773332695, ClinGen allele CA193988.

ClinVar aggregate classification (germline): Conflicting classifications of pathogenicity. Review status: criteria provided, conflicting classifications (1 of 4 stars). 4 submissions from 4 submitters: Uncertain significance (2); Likely benign (2). Last evaluated 2025-10-27.

Conditions:
Familial cancer of breast. Also called: BREAST CANCER, FAMILIAL; Hereditary breast cancer; hereditary breast carcinoma. Identifiers: Orphanet 227535, MedGen C0346153, MONDO:0016419, OMIM 114480. Disease mechanism: loss of function.
Fanconi anemia complementation group J. Also called: BRIP1-Related Fanconi Anemia. Identifiers: Orphanet 84, MedGen C1836860, MONDO:0012187, OMIM 609054.
Hereditary cancer-predisposing syndrome. Also called: Hereditary Cancer Syndrome; Neoplastic Syndromes, Hereditary; Tumor predisposition; Hereditary neoplastic syndrome. Identifiers: Orphanet 140162, MedGen C0027672, MeSH D009386, MONDO:0015356.

Allele frequency attached by ClinVar (database versions not stated): TOPMed 0.00001; ExAC 0.00002; gnomAD exomes 0.00002 and 0.00007; gnomAD 0.00003.

Submissions (4):

Labcorp Genetics (formerly Invitae), Labcorp
Classification: Likely benign for Familial cancer of breast; Fanconi anemia complementation group J. Last evaluated: 2025-10-27. Review status: criteria provided, single submitter. Criteria: Invitae Variant Classification Sherloc (09022015). Collection method: clinical testing. Allele origin: germline.

GeneDx
Classification: Uncertain significance. Last evaluated: 2024-01-07. Review status: criteria provided, single submitter. Criteria: GeneDx Variant Classification Process June 2021. Collection method: clinical testing. Allele origin: germline. Affected: yes.
Comment: In silico analysis is inconclusive as to whether the variant alters gene splicing. In the absence of RNA/functional studies, the actual effect of this sequence change is unknown; Has not been previously published as pathogenic or benign to our knowledge

Color Diagnostics, LLC DBA Color Health
Classification: Uncertain significance for Hereditary cancer-predisposing syndrome. Last evaluated: 2022-07-26. Review status: criteria provided, single submitter. Criteria: ACMG Guidelines, 2015. Collection method: clinical testing. Allele origin: germline.
Comment: This variant deletes 2 nucleotides in intron 4 of the BRIP1 gene. Splice site prediction tools predict that this variant may impact RNA splicing, although this prediction has not been confirmed in published RNA studies. To our knowledge, this variant has not been reported in individuals affected with hereditary cancer in the literature. This variant has been identified in 6/282788 chromosomes in the general population by the Genome Aggregation Database (gnomAD). The available evidence is insufficient to determine the role of this variant in disease conclusively. Therefore, this variant is classified as a Variant of Uncertain Significance.

Ambry Genetics
Classification: Likely benign for Hereditary cancer-predisposing syndrome. Last evaluated: 2020-08-31. Review status: criteria provided, single submitter. Criteria: Ambry Variant Classification Scheme 2023. Collection method: clinical testing. Allele origin: germline.